The following is an entry in ClinVar:

NM_004612.4(TGFBR1):c.1310C>T (p.Ser437Leu)

Gene: TGFBR1 (transforming growth factor beta receptor 1; plus strand). Cytogenetic location: 9q22.33.
Variant type: single nucleotide variant.
Coding change: c.1310C>T on transcript NM_004612.4 (MANE Select); coding-DNA position 1310, C replaced by T.
Protein change: p.Ser437Leu; replaces serine 437 with leucine.
Molecular consequence: missense variant.
Genome position (GRCh38, 1-based): chr9:99,147,708, C>T. VCF-style: chr9-99147708-C-T. GRCh37 (hg19) VCF-style: chr9-101909990-C-T.
Other names: c.1079C>T, p.Ser360Leu (NM_001130916.3); c.1322C>T, p.Ser441Leu (NM_001306210.2); short protein forms S360L, S437L, S441L.
Identifiers: ClinVar variation 1313944 (VCV001313944.11), dbSNP rs1827842067, ClinGen allele CA374233352.

ClinVar aggregate classification (germline): Uncertain significance. Review status: criteria provided, multiple submitters, no conflicts (2 of 4 stars). 6 submissions from 6 submitters: Uncertain significance (6). Last evaluated 2025-01-23.

Conditions:
Familial thoracic aortic aneurysm and aortic dissection (TAAD). Also called: Thoracic aortic aneurysms and dissections. Identifiers: Orphanet 91387, MedGen C4707243, MONDO:0019625.
Loeys-Dietz syndrome (LDS). Identifiers: Orphanet 60030, MedGen C2697932, MONDO:0018954.

Allele frequency attached by ClinVar (database versions not stated): gnomAD exomes 0.00001.
gnomAD v4.1: 22 of 1,613,638 alleles (0.0014%); highest among the groups gnomAD compares: Non-Finnish European, 0.0018%; no homozygotes.

Submissions (6):

ARUP Laboratories, Molecular Genetics and Genomics, ARUP Laboratories
Classification: Uncertain significance. Last evaluated: 2025-01-23. Review status: criteria provided, single submitter. Criteria: ARUP Molecular Germline Variant Investigation Process 2024. Collection method: clinical testing. Allele origin: germline.
Comment: The TGFBR1 c.1310C>T; p.Ser437Leu variant (rs1827842067), to our knowledge, is not reported in the medical literature but is reported in ClinVar (Variation ID: 1313944). This variant is absent from the Genome Aggregation Database (v2.1.1), indicating it is not a common polymorphism. Computational analyses predict that this variant is deleterious (REVEL: 0.920). Due to limited information, the clinical significance of this variant is uncertain at this time.

Labcorp Genetics (formerly Invitae), Labcorp
Classification: Uncertain significance for Familial thoracic aortic aneurysm and aortic dissection. Last evaluated: 2024-05-15. Review status: criteria provided, single submitter. Criteria: Invitae Variant Classification Sherloc (09022015). Collection method: clinical testing. Allele origin: germline.
Comment: This sequence change replaces serine, which is neutral and polar, with leucine, which is neutral and non-polar, at codon 437 of the TGFBR1 protein (p.Ser437Leu). This variant is not present in population databases (gnomAD no frequency). This variant has not been reported in the literature in individuals affected with TGFBR1-related conditions. ClinVar contains an entry for this variant (Variation ID: 1313944). Advanced modeling of protein sequence and biophysical properties (such as structural, functional, and spatial information, amino acid conservation, physicochemical variation, residue mobility, and thermodynamic stability) performed at Invitae indicates that this missense variant is expected to disrupt TGFBR1 protein function with a positive predictive value of 80%. In summary, the available evidence is currently insufficient to determine the role of this variant in disease. Therefore, it has been classified as a Variant of Uncertain Significance.

Color Diagnostics, LLC DBA Color Health
Classification: Uncertain significance for Familial thoracic aortic aneurysm and aortic dissection. Last evaluated: 2024-03-07. Review status: criteria provided, single submitter. Criteria: ACMG Guidelines, 2015. Collection method: clinical testing. Allele origin: germline.
Comment: This missense variant replaces serine with leucine at codon 437 of the TGFBR1 protein. Computational prediction suggests that this variant may have deleterious impact on protein structure and function (internally defined REVEL score threshold >= 0.7, PMID: 27666373). To our knowledge, functional studies have not been reported for this variant. This variant has not been reported in individuals affected with cardiovascular disorders in the literature. This variant has not been identified in the general population by the Genome Aggregation Database (gnomAD). The available evidence is insufficient to determine the role of this variant in disease conclusively. Therefore, this variant is classified as a Variant of Uncertain Significance.

All of Us Research Program, National Institutes of Health
Classification: Uncertain significance for Loeys-Dietz syndrome. Last evaluated: 2023-06-26. Review status: criteria provided, single submitter. Criteria: ACMG Guidelines, 2015. Collection method: clinical testing. Allele origin: germline. Inheritance: Autosomal dominant inheritance. Observed: 1 variant allele, 1 heterozygote.
Comment: This missense variant replaces serine with leucine at codon 437 of the TGFBR1 protein. Computational prediction suggests that this variant may have deleterious impact on protein structure and function (internally defined REVEL score threshold >= 0.7, PMID: 27666373). To our knowledge, functional studies have not been reported for this variant. This variant has not been reported in individuals affected with cardiovascular disorders in the literature. This variant has not been identified in the general population by the Genome Aggregation Database (gnomAD). The available evidence is insufficient to determine the role of this variant in disease conclusively. Therefore, this variant is classified as a Variant of Uncertain Significance.

This study involves interpretation of variants in research participants for the purpose of population health screening. Participant phenotype was not available at the time of variant classification. Additional details can be found in publication PMID: 35346344, PMCID: PMC8962531

Ambry Genetics
Classification: Uncertain significance for Familial thoracic aortic aneurysm and aortic dissection. Last evaluated: 2022-12-19. Review status: criteria provided, single submitter. Criteria: Ambry Variant Classification Scheme 2023. Collection method: clinical testing. Allele origin: germline.

GeneDx
Classification: Uncertain significance. Last evaluated: 2021-01-13. Review status: criteria provided, single submitter. Criteria: GeneDx Variant Classification Process June 2021. Collection method: clinical testing. Allele origin: germline. Affected: yes.
Comment: Has not been previously published as pathogenic or benign to our knowledge; Not observed in large population cohorts (Lek et al., 2016); In silico analysis supports that this missense variant has a deleterious effect on protein structure/function